The following is an entry in ClinVar:

NM_001164508.2(NEB):c.9490T>C (p.Cys3164Arg)

Gene: NEB (nebulin; minus strand). Cytogenetic location: 2q23.3.
Variant type: single nucleotide variant.
Coding change: c.9490T>C on transcript NM_001164508.2 (MANE Select); coding-DNA position 9490, T replaced by C.
Protein change: p.Cys3164Arg; replaces cysteine 3164 with arginine.
Molecular consequence: missense variant. On other transcripts: intron variant (1).
Genome position (GRCh38, 1-based): chr2:151,631,271, A>G on the plus strand (T>C on the coding strand, the complement: NEB is on the minus strand). VCF-style: chr2-151631271-A-G. GRCh37 (hg19) VCF-style: chr2-152487785-A-G.
Other names: c.9490T>C, p.Cys3164Arg (NM_001164507.2, NM_001271208.2); c.8854-93T>C (NM_004543.5); short protein forms C3164R.
Identifiers: ClinVar variation 1349651 (VCV001349651.6), dbSNP rs1292713138, ClinGen allele CA348801029.

ClinVar aggregate classification (germline): Uncertain significance (1 of 4 stars; one submission).

Conditions:
Nemaline myopathy 2 (NEM2). Also called: Nemaline myopathy 2, autosomal recessive. Identifiers: MedGen C1850569, MONDO:0009725, OMIM 256030.

Allele frequency attached by ClinVar (database versions not stated): gnomAD exomes below 0.00001.
gnomAD v4.1: 1 of 1,613,922 alleles (0.000062%); highest among the groups gnomAD compares: Non-Finnish European, 0.000085%; no homozygotes.

Submission:

Labcorp Genetics (formerly Invitae), Labcorp
Classification: Uncertain significance for Nemaline myopathy 2. Last evaluated: 2021-08-28. Review status: criteria provided, single submitter. Criteria: Invitae Variant Classification Sherloc (09022015). Collection method: clinical testing. Allele origin: germline.
Comment: This sequence change replaces cysteine with arginine at codon 3164 of the NEB protein (p.Cys3164Arg). The cysteine residue is weakly conserved and there is a large physicochemical difference between cysteine and arginine. This variant is not present in population databases (ExAC no frequency). This variant has not been reported in the literature in individuals affected with NEB-related conditions. Algorithms developed to predict the effect of missense changes on protein structure and function are either unavailable or do not agree on the potential impact of this missense change (SIFT: "Deleterious"; PolyPhen-2: "Not Available"; Align-GVGD: "Class C0"). In summary, the available evidence is currently insufficient to determine the role of this variant in disease. Therefore, it has been classified as a Variant of Uncertain Significance.